The following is an entry in ClinVar:

NM_000548.5(TSC2):c.678C>T (p.Val226=)

Gene: TSC2 (TSC complex subunit 2; plus strand). Cytogenetic location: 16p13.3.
Variant type: single nucleotide variant.
Coding change: c.678C>T on transcript NM_000548.5 (MANE Select); coding-DNA position 678, C replaced by T.
Protein change: p.Val226=; no amino-acid change (valine 226 retained).
Molecular consequence: synonymous variant.
Genome position (GRCh38, 1-based): chr16:2,056,673, C>T. VCF-style: chr16-2056673-C-T. GRCh37 (hg19) VCF-style: chr16-2106674-C-T.
Other names: c.678C>T, p.Val226= (NM_001077183.3, NM_001114382.3, NM_001363528.2 and 3 more transcripts); c.567C>T, p.Val189= (NM_001318827.2); c.531C>T, p.Val177= (NM_001318829.2); c.78C>T, p.Val26= (NM_001318831.2); c.711C>T, p.Val237= (NM_001318832.2).
Identifiers: ClinVar variation 1141701 (VCV001141701.12), dbSNP rs2151078413, ClinGen allele CA492957039.

ClinVar aggregate classification (germline): Benign/Likely benign. Review status: criteria provided, multiple submitters, no conflicts (2 of 4 stars). 3 submissions from 3 submitters: Benign (1); Likely benign (2). Last evaluated 2025-05-09.

Conditions:
Hereditary cancer-predisposing syndrome. Also called: Hereditary neoplastic syndrome; Tumor predisposition; Neoplastic Syndromes, Hereditary; Hereditary Cancer Syndrome. Identifiers: Orphanet 140162, MedGen C0027672, MeSH D009386, MONDO:0015356.
Tuberous sclerosis 2 (TSC2). Identifiers: Orphanet 805, MedGen C1860707, MONDO:0013199, OMIM 613254.

gnomAD v4.1: 1 of 1,612,248 alleles (0.000062%); highest among the groups gnomAD compares: Non-Finnish European, 0.000085%; no homozygotes.

Submissions (3):

Myriad Genetics, Inc.
Classification: Benign for Tuberous sclerosis 2. Last evaluated: 2025-05-09. Review status: criteria provided, single submitter. Criteria: Myriad Autosomal Dominant, Autosomal Recessive and X-Linked Classification Criteria (2023). Collection method: clinical testing. Allele origin: unknown.
Comment: This variant is considered benign. This variant is a silent/synonymous amino acid change and it is not expected to impact splicing.

Labcorp Genetics (formerly Invitae), Labcorp
Classification: Likely benign for Tuberous sclerosis 2. Last evaluated: 2024-04-25. Review status: criteria provided, single submitter. Criteria: Invitae Variant Classification Sherloc (09022015). Collection method: clinical testing. Allele origin: germline.

Ambry Genetics
Classification: Likely benign for Hereditary cancer-predisposing syndrome. Last evaluated: 2019-09-19. Review status: criteria provided, single submitter. Criteria: Ambry Variant Classification Scheme 2023. Collection method: clinical testing. Allele origin: germline.